The following is an entry in ClinVar:

ClinVar aggregate classification (germline): Uncertain significance (1 of 4 stars; one submission).

Conditions:
Atypical hemolytic-uremic syndrome. Identifiers: Orphanet 2134, MedGen C2931788, MONDO:0016244.
Basal laminar drusen. Also called: DRUSEN OF BRUCH MEMBRANE; DRUSEN, CUTICULAR; DRUSEN, EARLY ADULT-ONSET, GROUPED. Identifiers: Orphanet 75376, MedGen C0730295, MONDO:0007472, OMIM 126700.
Factor H deficiency (CFHD). Also called: COMPLEMENT FACTOR H DEFICIENCY; CFH DEFICIENCY. Identifiers: Orphanet 200421, MedGen C0398777, MONDO:0012350, OMIM 609814.
Age related macular degeneration 4. Identifiers: MedGen C1853147, MONDO:0012540, OMIM 610698.

Submission:

Genomenon, Inc
Classification: Uncertain significance for Basal laminar drusen; Age related macular degeneration 4; Atypical hemolytic-uremic syndrome; Factor H deficiency. Last evaluated: 2025-10-02. Review status: criteria provided, single submitter. Criteria: Genomenon Sequence Variant Interpretation Standards - Updated. Collection method: curation. Allele origin: germline. Affected: no.
Comment: CFH p.Asp619Asn (c.1855G>A) is a missense variant that changes the amino acid at residue 619 from Aspartic acid to Asparagine. This variant has been reported in the published literature (PMID:26501415). It is absent or not present at a significant frequency in gnomAD. In silico models agree that this variant is not damaging. In conclusion, we classify CFH p.Asp619Asn (c.1855G>A) as a variant of uncertain significance.

Literature cited by the submitters: PubMed 26501415.

NM_000186.4(CFH):c.1855G>A (p.Asp619Asn)

Gene: CFH (complement factor H; plus strand). Cytogenetic location: 1q31.3.
Variant type: single nucleotide variant.
Coding change: c.1855G>A on transcript NM_000186.4 (MANE Select); coding-DNA position 1855, G replaced by A.
Protein change: p.Asp619Asn; replaces aspartic acid 619 with asparagine.
Molecular consequence: missense variant.
Genome position (GRCh38, 1-based): chr1:196,725,279, G>A. VCF-style: chr1-196725279-G-A. GRCh37 (hg19) VCF-style: chr1-196694409-G-A.
Other names: short protein forms D619N.
Identifiers: ClinVar variation 4291429 (VCV004291429.1).